The following is an entry in ClinVar:

ClinVar aggregate classification (germline): Likely benign. Review status: criteria provided, multiple submitters, no conflicts (2 of 4 stars). 3 submissions from 3 submitters: Likely benign (3). Last evaluated 2026-05-26.

Conditions:
BEST1-related disorder. Also called: BEST1-related disorders; BEST1-related condition. Identifiers: MedGen CN239200.

Allele frequency attached by ClinVar (database versions not stated): gnomAD exomes below 0.00001 and 0.00002; ExAC 0.00003; ESP Exome Variant Server 0.00008; TOPMed 0.00012; gnomAD 0.00015 and 0.00016.
gnomAD v4.1: 29 of 1,614,100 alleles (0.0018%); highest among the groups gnomAD compares: African/African-American, 0.039%; no homozygotes.

Submissions (3):

PreventionGenetics, part of Exact Sciences
Classification: Likely benign for BEST1-related condition. Last evaluated: 2026-05-26. Review status: criteria provided, single submitter. Criteria: ACMG Guidelines, 2015. Collection method: clinical testing. Allele origin: germline.
Comment: This variant is classified as likely benign based on ACMG/AMP sequence variant interpretation guidelines (Richards et al. 2015 PMID: 25741868, with internal and published modifications).

Labcorp Genetics (formerly Invitae), Labcorp
Classification: Likely benign. Last evaluated: 2025-09-08. Review status: criteria provided, single submitter. Criteria: Invitae Variant Classification Sherloc (09022015). Collection method: clinical testing. Allele origin: germline.

Blueprint Genetics
Classification: Likely benign. Last evaluated: 2024-06-11. Review status: criteria provided, single submitter. Criteria: ACMG Guidelines, 2015. Collection method: clinical testing. Allele origin: germline.

NM_004183.4(BEST1):c.231C>T (p.Pro77=)

Gene: BEST1 (bestrophin 1; plus strand). Cytogenetic location: 11q12.3.
Variant type: single nucleotide variant.
Coding change: c.231C>T on transcript NM_004183.4 (MANE Select); coding-DNA position 231, C replaced by T.
Protein change: p.Pro77=; no amino-acid change (proline 77 retained).
Molecular consequence: synonymous variant. On other transcripts: non-coding transcript variant (1).
Genome position (GRCh38, 1-based): chr11:61,955,185, C>T. VCF-style: chr11-61955185-C-T. GRCh37 (hg19) VCF-style: chr11-61722657-C-T.
Other names: c.51C>T, p.Pro17= (NM_001139443.3, NM_001300786.2, NM_001300787.2); c.231C>T, p.Pro77= (NM_001363592.2); c.231C>T (NM_004183.3).
Identifiers: ClinVar variation 1085998 (VCV001085998.11), dbSNP rs142053865, ClinGen allele CA6040721.